The following is an entry in ClinVar:

ClinVar aggregate classification (germline): Likely benign. Review status: criteria provided, multiple submitters, no conflicts (2 of 4 stars). 3 submissions from 3 submitters: Likely benign (3). Last evaluated 2026-05-01.

Conditions:
Inborn genetic diseases. Identifiers: MedGen C0950123, MeSH D030342.

Allele frequency attached by ClinVar (database versions not stated): ESP Exome Variant Server 0.00008; gnomAD exomes 0.00011; ExAC 0.00013; gnomAD 0.00020 and 0.00022; TOPMed 0.00022.
gnomAD v4.1: 279 of 1,614,036 alleles (0.017%); highest among the groups gnomAD compares: Non-Finnish European, 0.019%; no homozygotes.

Submissions (3):

CeGaT Center for Human Genetics Tuebingen
Classification: Likely benign. Last evaluated: 2026-05-01. Review status: criteria provided, single submitter. Criteria: CeGaT Center For Human Genetics Tuebingen Variant Classification Criteria Version 2. Collection method: clinical testing. Allele origin: germline. Affected: yes. Observed: 4 variant alleles.
Comment: TRIO: BS2

Ambry Genetics
Classification: Likely benign for Inborn genetic diseases. Last evaluated: 2022-10-18. Review status: criteria provided, single submitter. Criteria: Ambry Variant Classification Scheme 2023. Collection method: clinical testing. Allele origin: germline.

GeneDx
Classification: Likely benign. Last evaluated: 2021-04-16. Review status: criteria provided, single submitter. Criteria: GeneDx Variant Classification Process June 2021. Collection method: clinical testing. Allele origin: germline. Affected: yes.

NM_007118.4(TRIO):c.2570A>G (p.Asn857Ser)

Gene: TRIO (trio Rho guanine nucleotide exchange factor; plus strand). Cytogenetic location: 5p15.2.
Variant type: single nucleotide variant.
Coding change: c.2570A>G on transcript NM_007118.4 (MANE Select); coding-DNA position 2570, A replaced by G.
Protein change: p.Asn857Ser; replaces asparagine 857 with serine.
Molecular consequence: missense variant. On other transcripts: non-coding transcript variant (1).
Genome position (GRCh38, 1-based): chr5:14,363,910, A>G. VCF-style: chr5-14363910-A-G. GRCh37 (hg19) VCF-style: chr5-14364019-A-G.
Other names: short protein forms N857S.
Identifiers: ClinVar variation 872813 (VCV000872813.46), dbSNP rs199976501, ClinGen allele CA3205934.
Genomic context (GRCh38, chr5:14,363,910, plus strand): 5'-CCATGAACAACTTGACTTTTGACGTCATCCACCAAGGGCAAGATCTTCTGCAGTATGTCA[A>G]TGAGGTCCAGGCCTCTGGTAAGAGGGCTCACTCCATCTGTGTCCGTTGTGATTTCTTCAT-3'
Protein context (NP_009049.2, residues 847-867): HQGQDLLQYV[Asn857Ser]EVQASGVELL